The following is an entry in ClinVar:

ClinVar aggregate classification (germline): Conflicting classifications of pathogenicity. Review status: criteria provided, conflicting classifications (1 of 4 stars). 3 submissions from 3 submitters: Uncertain significance (2); Benign (1). Last evaluated 2025-03-12.

Conditions:
Cardiovascular phenotype. Identifiers: MedGen CN230736.
Cardiomyopathy (CMYO). Also called: Cardiomyopathies. Identifiers: Orphanet 167848, MedGen C0878544, MONDO:0004994, HP:0001638. Inheritance: Various modes of inheritance.
Arrhythmogenic right ventricular dysplasia 5. Also called: ARRHYTHMOGENIC RIGHT VENTRICULAR DYSPLASIA, FAMILIAL, 5; Arrhythmogenic Right Ventricular Dysplasia/Cardiomyopathy 5. Identifiers: MedGen C1858379, MONDO:0011459, OMIM 604400.

Submissions (3):

Ambry Genetics
Classification: Benign for Cardiovascular phenotype. Last evaluated: 2025-03-12. Review status: criteria provided, single submitter. Criteria: Ambry Variant Classification Scheme 2023. Collection method: clinical testing. Allele origin: germline.

Labcorp Genetics (formerly Invitae), Labcorp
Classification: Uncertain significance for Arrhythmogenic right ventricular dysplasia 5. Last evaluated: 2024-07-16. Review status: criteria provided, single submitter. Criteria: Invitae Variant Classification Sherloc (09022015). Collection method: clinical testing. Allele origin: germline.
Comment: This sequence change replaces leucine, which is neutral and non-polar, with isoleucine, which is neutral and non-polar, at codon 285 of the TMEM43 protein (p.Leu285Ile). Information on the frequency of this variant in the gnomAD database is not available, as this variant may be reported differently in the database. This variant has not been reported in the literature in individuals affected with TMEM43-related conditions. ClinVar contains an entry for this variant (Variation ID: 839340). Experimental studies and prediction algorithms are not available or were not evaluated, and the functional significance of this variant is currently unknown. In summary, the available evidence is currently insufficient to determine the role of this variant in disease. Therefore, it has been classified as a Variant of Uncertain Significance.

Color Diagnostics, LLC DBA Color Health
Classification: Uncertain significance for Cardiomyopathy. Last evaluated: 2024-03-06. Review status: criteria provided, single submitter. Criteria: ACMG Guidelines, 2015. Collection method: clinical testing. Allele origin: germline.
Comment: This missense variant replaces leucine with isoleucine at codon 285 of the TMEM43 protein. Computational prediction suggests that this variant may not impact protein structure and function (internally defined REVEL score threshold <= 0.5, PMID: 27666373). To our knowledge, functional studies have not been reported for this variant. This variant has not been reported in individuals affected with cardiovascular disorders in the literature. This variant has not been identified in the general population by the Genome Aggregation Database (gnomAD). The available evidence is insufficient to determine the role of this variant in disease conclusively. Therefore, this variant is classified as a Variant of Uncertain Significance.

NM_024334.3(TMEM43):c.852_853delinsAA (p.Leu285Ile)

Gene: TMEM43 (transmembrane protein 43; plus strand). Cytogenetic location: 3p25.1.
Variant type: Indel.
Coding change: c.852_853delinsAA on transcript NM_024334.3 (MANE Select); coding-DNA positions 852 to 853, GC replaced by AA.
Protein change: p.Leu285Ile; replaces leucine 285 with isoleucine.
Molecular consequence: missense variant.
Genome position (GRCh38, 1-based): chr3:14,135,878-14,135,879, GC replaced by AA. VCF-style: chr3-14135878-GC-AA. GRCh37 (hg19) VCF-style: chr3-14177378-GC-AA.
Other names: c.852_853delGCinsAA (NM_024334.2); short protein forms L285I.
Identifiers: ClinVar variation 839340 (VCV000839340.14), dbSNP rs1695163023, ClinGen allele CA913188062.